The following is an entry in ClinVar:

ClinVar aggregate classification (germline): Pathogenic. Review status: reviewed by expert panel (3 of 4 stars). 19 submissions from 18 submitters: Pathogenic (1). 18 of the submissions do not count toward it. Last evaluated 2017-03-17.

Conditions:
CFTR-related disorder (CFTR-RD). Also called: CFTR-related disorders; CFTR-related condition. Identifiers: MedGen C5924204, MONDO:7770004.
Congenital bilateral aplasia of vas deferens from CFTR mutation (CBAVD). Identifiers: Orphanet 48, MedGen C0403814, MONDO:0010178, OMIM 277180. Disease mechanism: loss of function.
Cystic fibrosis (CF). Also called: MUCOVISCIDOSIS. Identifiers: Orphanet 586, MedGen C0010674, MONDO:0009061, OMIM 219700. Disease mechanism: loss of function.
Bronchiectasis with or without elevated sweat chloride 1 (BESC1). Also called: Cystic Fibrosis-Like Syndrome. Identifiers: Orphanet 60033, MedGen C2749757, MONDO:0008887, OMIM 211400.

Submissions 1 to 12 of 19:

CFTR2
Classification: Pathogenic for Cystic fibrosis. Last evaluated: 2017-03-17. Review status: reviewed by expert panel. Criteria: Sosnay PR et al. (Nat Genet 2013). Collection method: research. Allele origin: germline. Affected: yes. Study: CFTR2.

Labcorp Genetics (formerly Invitae), Labcorp
Classification: Pathogenic for Cystic fibrosis. Last evaluated: 2025-12-22. Review status: criteria provided, single submitter. Criteria: Invitae Variant Classification Sherloc (09022015). Collection method: clinical testing. Allele origin: germline. Not counted in ClinVar's aggregate classification.
Comment: This sequence change creates a premature translational stop signal (p.Leu1258Phefs*7) in the CFTR gene. It is expected to result in an absent or disrupted protein product. Loss-of-function variants in CFTR are known to be pathogenic (PMID: 1695717, 7691345, 9725922). This variant is present in population databases (rs796566397, gnomAD 0.002%). This premature translational stop signal has been observed in individuals with cystic fibrosis (PMID: 19724303, 21520337, 23974870). This variant is also known as 3905insT. ClinVar contains an entry for this variant (Variation ID: 38726). For these reasons, this variant has been classified as Pathogenic.

Natera, Inc.
Classification: Pathogenic for CFTR-related disorders. Last evaluated: 2025-11-19. Review status: criteria provided, single submitter. Criteria: Natera Variant Classification Schema (03/2026). Collection method: clinical testing. Allele origin: germline. Not counted in ClinVar's aggregate classification.
Comment: The c.3773dupT variant in CFTR is a frameshift variant predicted to shift the reading frame beginning at codon 1258 and leads to a stop codon 7 codons downstream. This variant is expected to result in nonsense mediated decay, truncation, or a dysfunctional protein product. This variant is rare in the general population with a frequency below the threshold expected for the associated phenotype(s). This variant has been observed in one or more individuals affected with the associated recessive disease, as either homozygous or compound heterozygous with a second variant (PMID: 19724303). Given the available evidence, this variant is classified as Pathogenic.

Quest Diagnostics Nichols Institute San Juan Capistrano
Classification: Pathogenic. Last evaluated: 2025-08-07. Review status: criteria provided, single submitter. Criteria: Quest Diagnostics criteria. Collection method: clinical testing. Allele origin: unknown. Not counted in ClinVar's aggregate classification.
Comment: The CFTR c.3773dup (p.Leu1258Phefs*7) variant alters the translational reading frame of the CFTR mRNA and causes the premature termination of CFTR protein synthesis. This variant has been reported in the published literature in homozygous or compound heterozygous individuals with cystic fibrosis (CF) (PMID: 1380689 (1992), 7525450 (1994), 9254853 (1997), 11491162 (2001), 15480987 (2004), 19724303 (2010), 23974870 (2013), and 31268981 (2019)), as well as CFTR-related disorders (PMIDs: 21520337 (2011) and 22658665 (2012)). Additionally, immunohistochemical staining of the CFTR protein in patient nasal epithelial cells revealed that this variant a significantly reduced amount of CFTR at the apical membrane (PMID: 19724303 (2010)). The frequency of this variant in the general population (Genome Aggregation Database) is consistent with pathogenicity. Based on the available information, this variant is classified as pathogenic.

ARUP Laboratories, Molecular Genetics and Genomics, ARUP Laboratories
Classification: Pathogenic for Cystic fibrosis. Last evaluated: 2025-04-10. Review status: criteria provided, single submitter. Criteria: ARUP Molecular Germline Variant Investigation Process 2024. Collection method: clinical testing. Allele origin: germline. Not counted in ClinVar's aggregate classification.
Comment: The CFTR c.3773dup; p.Leu1258PhefsTer7 variant (rs387906370, ClinVar Variation ID: 38726), also known as 3905insT, is reported in multiple individuals diagnosed with cystic fibrosis (Dork 1994, Gallati 2009, Hirtz 2004, Sosnay 2013) and is generally associated with pancreatic insufficiency (Ooi 2012, Sosnay 2013, CFTR2 database). Functional characterization of the variant indicates that the transcript is insensitive to nonsense-medicated decay or nonsense-associated alternative splicing (Sanz 2010). The variant protein fails to mature and localize to the cell surface (Sanz 2010), resulting in severe reduction in chloride transport activity (Hirtz 2004). This variant is only observed on three alleles in the Genome Aggregation Database (v2.1.1), indicating it is not a common polymorphism. The variant introduces a frameshift, and functional studies indicate it results in a truncated, inactive protein. Based on available information, this variant is considered to be pathogenic. References: CFTR2 database: Dork T et al. Detection of more than 50 different CFTR mutations in a large group of German cystic fibrosis patients. Hum Genet. 1994; 94(5):533-42. PMID: 7525450. Gallati S et al. Cystic fibrosis transmembrane conductance regulator mutations in azoospermic and oligospermic men and their partners. Reprod Biomed Online. 2009; 19(5):685-94. PMID: 20021716. Hirtz S et al. CFTR Cl- channel function in native human colon correlates with the genotype and phenotype in cystic fibrosis. Gastroenterology. 2004; 2004 Oct;127(4):1085-95. PMID: 15480987. Ooi C. et al. Cystic fibrosis transmembrane conductance regulator (CFTR) gene mutations in pancreatitis. J Cyst Fibros. 2012; 11(5):355-62. PMID: 22658665. Sanz J et al. The CFTR frameshift mutation 3905insT and its effect at transcript and protein level. Eur J Hum Genet. 2010; 18(2):212-7. PMID: 19724303. Sosnay PR et al. Defining the disease liability of variants in the cystic fibrosis transmembrane conductance regulator gene. Nat Genet. 2013; 45(10):1160-7. PMID: 23974870.

Blueprint Genetics
Classification: Pathogenic for CFTR-related disorders. Last evaluated: 2024-09-19. Review status: criteria provided, single submitter. Criteria: ACMG Guidelines, 2015. Collection method: clinical testing. Allele origin: germline. Affected: yes. Observed: 2 variant alleles. Not counted in ClinVar's aggregate classification.

Baylor Genetics
Classification: Pathogenic for Bronchiectasis with or without elevated sweat chloride 1. Last evaluated: 2024-03-27. Review status: criteria provided, single submitter. Criteria: ACMG Guidelines, 2015. Collection method: clinical testing. Allele origin: unknown. Not counted in ClinVar's aggregate classification.

Ambry Genetics
Classification: Pathogenic for Cystic fibrosis. Last evaluated: 2023-05-30. Review status: criteria provided, single submitter. Criteria: Ambry Variant Classification Scheme 2023. Collection method: clinical testing. Allele origin: germline. Not counted in ClinVar's aggregate classification.
Comment: The c.3773dupT pathogenic mutation (also known as c.3773_3774insT and 3905insT), located in coding exon 23 of the CFTR gene, results from a duplication of T at nucleotide position 3773, causing a translational frameshift with a predicted alternate stop codon (p.L1258Ffs*7). This mutation was described in 30 compound heterozygous individuals with cystic fibrosis characterized by elevated sweat chloride levels, failure to thrive, pancreatic insufficiency, and progressively decreasing lung function (Schibler A et al. Eur. Respir. J., 2001 Jun;17:1181-6). Immunocytochemical studies demonstrated that this alteration significantly reduces the amount of mature CFTR protein found in the apical membranes of nasal epithelia (Sanz J et al. Eur. J. Hum. Genet., 2010 Feb;18:212-7). This mutation is associated with elevated sweat chloride levels and pancreatic insufficiency (Sosnay PR et al. Nat. Genet., 2013 Oct;45:1160-7). In addition to the clinical data presented in the literature, this alteration is expected to result in loss of function by premature protein truncation or nonsense-mediated mRNA decay. As such, this alteration is interpreted as a disease-causing mutation.

CeGaT Center for Human Genetics Tuebingen
Classification: Pathogenic. Last evaluated: 2022-10-01. Review status: criteria provided, single submitter. Criteria: CeGaT Center For Human Genetics Tuebingen Variant Classification Criteria Version 2. Collection method: clinical testing. Allele origin: germline. Affected: yes. Observed: 1 variant allele. Not counted in ClinVar's aggregate classification.
Comment: CFTR: PVS1, PM2, PM3

Institute of Human Genetics, University of Leipzig Medical Center
Classification: Pathogenic for Cystic fibrosis. Last evaluated: 2022-09-05. Review status: criteria provided, single submitter. Criteria: ACMG Guidelines, 2015. Collection method: curation. Allele origin: unknown. Affected: yes. Observed: 3 variant alleles. Not counted in ClinVar's aggregate classification.
Comment: This variant was identified in 3 unrelated patients with a clinically confirmed diagnosis of cystic fibrosis. The variant was classified in the context of a project re-classifying variants in the German Cystic Fibrosis Registry (Muko.e.V.). Criteria applied: PVS1_STR, PS3_MOD, PM2_SUP, PM3_STR, PP4

AiLife Diagnostics
Classification: Pathogenic. Last evaluated: 2022-03-17. Review status: criteria provided, single submitter. Criteria: ACMG Guidelines, 2015. Collection method: clinical testing. Allele origin: germline. Affected: yes. Observed: 1 variant allele. Not counted in ClinVar's aggregate classification.

Mayo Clinic Laboratories, Mayo Clinic
Classification: Pathogenic. Last evaluated: 2021-12-20. Review status: criteria provided, single submitter. Criteria: ACMG Guidelines, 2015. Collection method: clinical testing. Allele origin: germline. Not counted in ClinVar's aggregate classification.

NM_000492.4(CFTR):c.3773dup (p.Leu1258fs)

Genes: CFTR (CF transmembrane conductance regulator; plus strand), CFTR-AS2 (CFTR antisense RNA 2; minus strand). Cytogenetic location: 7q31.2.
Variant type: Duplication.
Coding change: c.3773dup on transcript NM_000492.4 (MANE Select); coding-DNA position 3773, one base duplicated (T; older notation c.3773dupT).
Protein change: p.Leu1258fs; shifts the reading frame from leucine 1258.
Molecular consequence: frameshift variant.
Genome position (GRCh38, 1-based): chr7:117,642,493, T duplicated; the last of 6 consecutive T bases (chr7:117,642,488-117,642,493); duplicating any one gives the same sequence. VCF-style (leftmost placement, unchanged base first): chr7-117642487-C-CT. GRCh37 (hg19) VCF-style: chr7-117282541-C-CT.
Other names: 3905insT; p.Leu1258Phefs*7; c.3773dupT (NM_000492.3); short protein forms L1258fs.
Identifiers: ClinVar variation 38726 (VCV000038726.77), dbSNP rs121908789, ClinGen allele CA327288.